The following is an entry in ClinVar:

ClinVar aggregate classification (germline): Pathogenic (1 of 4 stars; one submission).

Conditions:
Episodic ataxia type 1 (EA1). Also called: MYOKYMIA WITH PERIODIC ATAXIA; PAROXYSMAL ATAXIA WITH NEUROMYOTONIA, HEREDITARY; ATAXIA, EPISODIC, WITH MYOKYMIA; Episodic ataxia/myokymia syndrome. Identifiers: Orphanet 37612, Orphanet 972, MedGen C1719788, MONDO:0008047, OMIM 160120.

Submission:

Labcorp Genetics (formerly Invitae), Labcorp
Classification: Pathogenic for Episodic ataxia type 1. Last evaluated: 2024-10-21. Review status: criteria provided, single submitter. Criteria: Invitae Variant Classification Sherloc (09022015). Collection method: clinical testing. Allele origin: germline.
Comment: This sequence change replaces glycine, which is neutral and non-polar, with serine, which is neutral and polar, at codon 376 of the KCNA1 protein (p.Gly376Ser). This variant is not present in population databases (gnomAD no frequency). This missense change has been observed in individual(s) with developmental and epileptic encephalopathy and/or episodic ataxia type 1 (PMID: 32705822; internal data). In at least one individual the variant was observed to be de novo. ClinVar contains an entry for this variant (Variation ID: 1411967). Invitae Evidence Modeling of protein sequence and biophysical properties (such as structural, functional, and spatial information, amino acid conservation, physicochemical variation, residue mobility, and thermodynamic stability) indicates that this missense variant is expected to disrupt KCNA1 protein function with a positive predictive value of 95%. For these reasons, this variant has been classified as Pathogenic.

Literature cited by the submitters: PubMed 32705822.

NM_000217.3(KCNA1):c.1126G>A (p.Gly376Ser)

Gene: KCNA1 (potassium voltage-gated channel subfamily A member 1; plus strand). Cytogenetic location: 12p13.32.
Variant type: single nucleotide variant.
Coding change: c.1126G>A on transcript NM_000217.3 (MANE Select); coding-DNA position 1126, G replaced by A.
Protein change: p.Gly376Ser; replaces glycine 376 with serine.
Molecular consequence: missense variant.
Genome position (GRCh38, 1-based): chr12:4,912,504, G>A. VCF-style: chr12-4912504-G-A. GRCh37 (hg19) VCF-style: chr12-5021670-G-A.
Other names: short protein forms G376S.
Identifiers: ClinVar variation 1411967 (VCV001411967.6), dbSNP rs1555085786, ClinGen allele CA383456101.